The following is an entry in ClinVar:

ClinVar aggregate classification (germline): Uncertain significance (3 of 4 stars; one submission).

Conditions:
Malignant hyperthermia, susceptibility to, 1 (MHS1). Also called: RYR1-Related Malignant Hyperthermia Susceptibility; Anesthesia related hyperthermia; Malignant hyperpyrexia; Fulminating hyperpyrexia; Pharmacogenic myopathy; Malignant hyperthermia suceptibility 1. Identifiers: Orphanet 423, MedGen C2930980, MONDO:0007783, OMIM 145600.

Submission:

ClinGen Malignant Hyperthermia Susceptibility Variant Curation Expert Panel, ClinGen
Classification: Uncertain significance for Malignant hyperthermia, susceptibility to, 1. Last evaluated: 2025-08-01. Review status: reviewed by expert panel. Criteria: ClinGen MHS ACMG Specifications V2. Collection method: curation. Allele origin: germline. Inheritance: Autosomal dominant inheritance.
Comment: This pathogenicity assessment is relevant only for malignant hyperthermia susceptibility (MHS) inherited in an autosomal dominant pattern. Variants in RYR1 can also cause other myopathies inherited in an autosomal dominant pattern or in an autosomal recessive pattern. Some of these disorders may predispose individuals to malignant hyperthermia. RYR1 variants may also contribute to a malignant hyperthermia reaction in combination with other genetic and non-genetic factors and the clinician needs to consider such factors in making management decisions. This sequence variant predicts a substitution of arginine with proline at codon 2452 of the RYR1 protein, p.(Arg2452Pro). This variant was not present in a large population database (gnomAD) at the time this variant was interpreted. This variant was reported in an individual who had a positive in vitro contracture test (IVCT) result, however, it was not clear that the individual had a personal or family history of an MH event and therefor PS4 was not implemented (PMID:19191333). No functional studies were identified for this variant. This variant resides in a region of RYR1 considered to be a hotspot for pathogenic variants that contribute to MHS, use PM1_Supporting to avoid overweighting with PM5 (PMID: 21118704). Another variant assessed as likely pathogenic occurs at this codon, p.(Arg2452Trp), PM5_Supporting (PMID:30236257). A REVEL score >0.85 (0.953) supports a pathogenic status for this variant, PP3_Moderate. This variant has been classified as a Variant of Uncertain Significance. Criteria implemented: PM1_Supporting, PM5_Supporting, PP3_Moderate.

NM_000540.3(RYR1):c.7355G>C (p.Arg2452Pro)

Gene: RYR1 (ryanodine receptor 1; plus strand). Cytogenetic location: 19q13.2.
Variant type: single nucleotide variant.
Coding change: c.7355G>C on transcript NM_000540.3 (MANE Select); coding-DNA position 7355, G replaced by C.
Protein change: p.Arg2452Pro; replaces arginine 2452 with proline.
Molecular consequence: missense variant.
Genome position (GRCh38, 1-based): chr19:38,500,637, G>C. VCF-style: chr19-38500637-G-C. GRCh37 (hg19) VCF-style: chr19-38991277-G-C.
Other names: NM_000540.3:c.7355G>C; c.7355G>C, p.Arg2452Pro (NM_001042723.2); short protein forms R2452P.
Identifiers: ClinVar variation 1210314 (VCV001210314.4), dbSNP rs193922815, ClinGen allele CA405669968.
Genomic context (GRCh38, chr19:38,500,637, plus strand): 5'-GTGCCCCTCTCCCTCCCTCTACTCCCCAGCTAATCCAAGCCGGCAAGGGTGAGGCCCTGC[G>C]GATCCGCGCCATCCTCCGCTCCCTTGTGCCCTTGGAGGACCTTGTGGGCATCATCAGCCT-3'
Protein context (NP_000531.2, residues 2442-2462): LIQAGKGEAL[Arg2452Pro]IRAILRSLVP